The following is an entry in ClinVar:

NM_014484.5(MOCS3):c.640G>A (p.Val214Ile)

Gene: MOCS3 (molybdenum cofactor synthesis 3; plus strand). Cytogenetic location: 20q13.13.
Variant type: single nucleotide variant.
Coding change: c.640G>A on transcript NM_014484.5 (MANE Select); coding-DNA position 640, G replaced by A.
Protein change: p.Val214Ile; replaces valine 214 with isoleucine.
Molecular consequence: missense variant.
Genome position (GRCh38, 1-based): chr20:50,959,482, G>A. VCF-style: chr20-50959482-G-A. GRCh37 (hg19) VCF-style: chr20-49576019-G-A.
Other names: short protein forms V214I.
Identifiers: ClinVar variation 2825026 (VCV002825026.3), dbSNP rs2515744027, ClinGen allele CA408983789.
Genomic context (GRCh38, chr20:50,959,482, plus strand): 5'-GTGCTGGCGGGTCGGCCCCTCGTGTCTGCCAGTGCCTTGCGCTTCGAGGGCCAAATCACA[G>A]TCTACCATTATGACGGTGGCCCTTGCTATCGCTGCATATTCCCCCAACCACCCCCAGCGG-3'
Protein context (NP_055299.1, residues 204-224): SALRFEGQIT[Val214Ile]YHYDGGPCYR

ClinVar aggregate classification (germline): Uncertain significance (1 of 4 stars; one submission).

Submission:

Labcorp Genetics (formerly Invitae), Labcorp
Classification: Uncertain significance. Last evaluated: 2025-11-03. Review status: criteria provided, single submitter. Criteria: Invitae Variant Classification Sherloc (09022015). Collection method: clinical testing. Allele origin: germline.
Comment: This sequence change replaces valine, which is neutral and non-polar, with isoleucine, which is neutral and non-polar, at codon 214 of the MOCS3 protein (p.Val214Ile). This variant is not present in population databases (gnomAD no frequency). This variant has not been reported in the literature in individuals affected with MOCS3-related conditions. ClinVar contains an entry for this variant (Variation ID: 2825026). An algorithm developed to predict the effect of missense changes on protein structure and function (PolyPhen-2) suggests that this variant is likely to be disruptive. In summary, the available evidence is currently insufficient to determine the role of this variant in disease. Therefore, it has been classified as a Variant of Uncertain Significance.